The following is an entry in ClinVar:

NM_033056.4(PCDH15):c.5389C>T (p.Pro1797Ser)

Gene: PCDH15 (protocadherin related 15; minus strand). Cytogenetic location: 10q21.1.
Variant type: single nucleotide variant.
Coding change: c.5389C>T on transcript NM_033056.4 (MANE Plus Clinical); coding-DNA position 5389, C replaced by T.
Protein change: p.Pro1797Ser; replaces proline 1797 with serine.
Molecular consequence: missense variant. On other transcripts: intron variant (8).
Genome position (GRCh38, 1-based): chr10:53,822,337, G>A on the plus strand (C>T on the coding strand, the complement: PCDH15 is on the minus strand). VCF-style: chr10-53822337-G-A. GRCh37 (hg19) VCF-style: chr10-55582097-G-A.
Other names: c.5389C>T (NM_033056.3); c.5410C>T, p.Pro1804Ser (NM_001142763.2); c.5395C>T, p.Pro1799Ser (NM_001142764.2); c.5182C>T, p.Pro1728Ser (NM_001142765.2); c.5380C>T, p.Pro1794Ser (NM_001142766.2); c.5269C>T, p.Pro1757Ser (NM_001142767.2); c.5329C>T, p.Pro1777Ser (NM_001142768.2); c.5320C>T, p.Pro1774Ser (NM_001142773.2); and 8 more; short protein forms P1774S, P1799S, P1804S, P1775S, P1794S, P1728S, P1757S, P1777S.
Identifiers: ClinVar variation 929911 (VCV000929911.9), dbSNP rs775203432, ClinGen allele CA5505051.

ClinVar aggregate classification (germline): Uncertain significance. Review status: criteria provided, multiple submitters, no conflicts (2 of 4 stars). 5 submissions from 5 submitters: Uncertain significance (4). 1 of the submissions does not count toward it. Last evaluated 2025-08-10.

Conditions:
Usher syndrome type 1F (USH1F). Also called: USHER SYNDROME, TYPE IF. Identifiers: Orphanet 231169, Orphanet 886, MedGen C1865885, MONDO:0011186, OMIM 602083.
Inborn genetic diseases. Identifiers: MedGen C0950123, MeSH D030342.

Allele frequency attached by ClinVar (database versions not stated): ExAC 0.00005; gnomAD exomes 0.00002; TOPMed 0.00002; gnomAD 0.00001.
gnomAD v4.1: 51 of 1,593,614 alleles (0.0032%); highest among the groups gnomAD compares: South Asian, 0.015%; no homozygotes.

Submissions (5):

Ambry Genetics
Classification: Uncertain significance for Inborn genetic diseases. Last evaluated: 2025-08-10. Review status: criteria provided, single submitter. Criteria: Ambry Variant Classification Scheme 2023. Collection method: clinical testing. Allele origin: germline.

Blueprint Genetics
Classification: Uncertain significance. Last evaluated: 2024-01-18. Review status: criteria provided, single submitter. Criteria: ACMG Guidelines, 2015. Collection method: clinical testing. Allele origin: germline.

Labcorp Genetics (formerly Invitae), Labcorp
Classification: Uncertain significance. Last evaluated: 2022-01-16. Review status: criteria provided, single submitter. Criteria: Invitae Variant Classification Sherloc (09022015). Collection method: clinical testing. Allele origin: germline.
Comment: This sequence change replaces proline, which is neutral and non-polar, with serine, which is neutral and polar, at codon 1797 of the PCDH15 protein (p.Pro1797Ser). This variant is present in population databases (rs775203432, gnomAD 0.01%). This variant has not been reported in the literature in individuals affected with PCDH15-related conditions. ClinVar contains an entry for this variant (Variation ID: 929911). Algorithms developed to predict the effect of missense changes on protein structure and function are either unavailable or do not agree on the potential impact of this missense change (SIFT: "Deleterious"; PolyPhen-2: "Not Available"; Align-GVGD: "Class C0"). In summary, the available evidence is currently insufficient to determine the role of this variant in disease. Therefore, it has been classified as a Variant of Uncertain Significance.

Laboratory for Molecular Medicine, Mass General Brigham Personalized Medicine
Classification: Uncertain significance. Last evaluated: 2019-07-24. Review status: criteria provided, single submitter. Criteria: LMM Criteria. Collection method: clinical testing. Allele origin: germline. Observed: 1 variant allele.
Comment: The p.Pro1797Ser variant in PCDH15 has not been previously reported in individuals with hearing loss or Usher syndrome, but has been identified in 0.01% (4/28314) of South Asian chromosomes by gnomAD. Computational prediction tools and conservation analyses suggest that this variant may not impact the protein, though this information is not predictive enough to rule out pathogenicity. In summary, the clinical significance of this variant is uncertain. ACMG/AMP Criteria applied: PM2_Supporting, BP4.

Natera, Inc.
Classification: Uncertain significance for Usher syndrome type 1F. Last evaluated: 2020-03-01. Review status: no assertion criteria provided. Collection method: clinical testing. Allele origin: germline. Not counted in ClinVar's aggregate classification.